The following is an entry in ClinVar:

ClinVar aggregate classification (germline): Benign. Review status: criteria provided, multiple submitters, no conflicts (2 of 4 stars). 16 submissions from 13 submitters: Benign (13). 3 of the submissions do not count toward it. Last evaluated 2026-02-04.

Conditions:
Waardenburg syndrome. Also called: Waardenburg's syndrome. Identifiers: Orphanet 3440, MedGen C3266898, MONDO:0018094.
PCWH syndrome. Also called: WAARDENBURG-SHAH SYNDROME, NEUROLOGIC VARIANT. Identifiers: Orphanet 163746, MedGen C1836727, MONDO:0012198, OMIM 609136.
Waardenburg syndrome type 4C (WS4C). Also called: WAARDENBURG SYNDROME WITH HIRSCHSPRUNG DISEASE, TYPE 4C. Identifiers: Orphanet 897, MedGen C2750452, MONDO:0013202, OMIM 613266.
Waardenburg syndrome type 2E (WS2E). Also called: HYPOGONADOTROPIC HYPOGONADISM WITH ANOSMIA AND DEAFNESS, WITH OR WITHOUT HYPOPIGMENTATION; WAARDENBURG SYNDROME, TYPE 2E, WITH OR WITHOUT NEUROLOGIC INVOLVEMENT; WS2E, WITH OR WITHOUT NEUROLOGIC INVOLVEMENT. Identifiers: Orphanet 3440, MedGen C2700405, MONDO:0012698, OMIM 611584.

Allele frequency attached by ClinVar (database versions not stated): gnomAD 0.68861 and 0.68647; 1000 Genomes Project 30x 0.71268; gnomAD exomes 0.65003; TOPMed 0.69351; ExAC 0.65368; ESP Exome Variant Server 0.69583; 1000 Genomes Project 0.71326.
gnomAD v4.1: 1,037,508 of 1,611,716 alleles (64%); highest among the groups gnomAD compares: African/African-American, 83%; 336,474 homozygotes.

Submissions (16):

Labcorp Genetics (formerly Invitae), Labcorp
Classification: Benign. Last evaluated: 2026-02-04. Review status: criteria provided, single submitter. Criteria: Invitae Variant Classification Sherloc (09022015). Collection method: clinical testing. Allele origin: germline.

Blueprint Genetics
Classification: Benign. Last evaluated: 2024-11-28. Review status: criteria provided, single submitter. Criteria: ACMG Guidelines, 2015. Collection method: clinical testing. Allele origin: germline.

Genome-Nilou Lab
Classification: Benign for PCWH syndrome. Last evaluated: 2021-07-15. Review status: criteria provided, single submitter. Criteria: ACMG Guidelines, 2015. Collection method: clinical testing. Allele origin: germline. Affected: no.

Genome-Nilou Lab
Classification: Benign for Waardenburg syndrome type 2E. Last evaluated: 2021-07-15. Review status: criteria provided, single submitter. Criteria: ACMG Guidelines, 2015. Collection method: clinical testing. Allele origin: germline. Affected: no.

Genome-Nilou Lab
Classification: Benign for Waardenburg syndrome type 4C. Last evaluated: 2021-07-15. Review status: criteria provided, single submitter. Criteria: ACMG Guidelines, 2015. Collection method: clinical testing. Allele origin: germline. Affected: no.

Mayo Clinic Laboratories, Mayo Clinic
Classification: Benign. Last evaluated: 2020-10-02. Review status: criteria provided, single submitter. Criteria: ACMG Guidelines, 2015. Collection method: clinical testing. Allele origin: germline. Observed: 1,756 variant alleles.

Illumina Laboratory Services, Illumina
Classification: Benign for PCWH syndrome. Last evaluated: 2018-01-12. Review status: criteria provided, single submitter. Criteria: ICSL Variant Classification Criteria 13 December 2019. Collection method: clinical testing. Allele origin: germline.
Comment: This variant was observed in the ICSL laboratory as part of a predisposition screen in an ostensibly healthy population. It had not been previously curated by ICSL or reported in the Human Gene Mutation Database (HGMD: prior to June 1st, 2018), and was therefore a candidate for classification through an automated scoring system. Utilizing variant allele frequency, disease prevalence and penetrance estimates, and inheritance mode, an automated score was calculated to assess if this variant is too frequent to cause the disease. Based on the score and internal cut-off values, a variant classified as benign is not then subjected to further curation. The score for this variant resulted in a classification of benign for this disease.

Illumina Laboratory Services, Illumina
Classification: Benign for Waardenburg syndrome. Last evaluated: 2018-01-12. Review status: criteria provided, single submitter. Criteria: ICSL Variant Classification Criteria 13 December 2019. Collection method: clinical testing. Allele origin: germline.
Comment: the same text as in the submission from Illumina Laboratory Services, Illumina above.

GeneDx
Classification: Benign. Last evaluated: 2017-05-09. Review status: criteria provided, single submitter. Criteria: GeneDx Variant Classification (06012015). Collection method: clinical testing. Allele origin: germline. Affected: yes.
Comment: This variant is considered likely benign or benign based on one or more of the following criteria: it is a conservative change, it occurs at a poorly conserved position in the protein, it is predicted to be benign by multiple in silico algorithms, and/or has population frequency not consistent with disease.

Eurofins Ntd Llc (ga)
Classification: Benign. Last evaluated: 2017-01-23. Review status: criteria provided, single submitter. Criteria: EGL Classification Definitions 2015. Collection method: clinical testing. Allele origin: germline. Observed: 1 variant allele, 1 heterozygote.

Laboratory for Molecular Medicine, Mass General Brigham Personalized Medicine
Classification: Benign. Last evaluated: 2014-11-24. Review status: criteria provided, single submitter. Criteria: LMM Criteria. Collection method: clinical testing. Allele origin: germline. Observed: 861 variant alleles.
Comment: His309His in exon 4 of SOX10: This variant is not expected to have clinical sign ificance because it does not alter an amino acid residue and is not located with in the splice consensus sequence. It has been identified in 36.6% (3149/8600) of European American chromosomes from a broad population by the NHLBI Exome Sequen cing Project (dbSNP rs139884).

Breakthrough Genomics
Classification: Benign. Review status: criteria provided, single submitter. Criteria: ACMG Guidelines, 2015. Collection method: not provided. Allele origin: germline. Inheritance: Autosomal dominant inheritance. Affected: yes.

PreventionGenetics, part of Exact Sciences
Classification: Benign. Review status: criteria provided, single submitter. Criteria: ACMG Guidelines, 2015. Collection method: clinical testing. Allele origin: germline.

Clinical Genetics DNA and cytogenetics Diagnostics Lab, Erasmus MC, Erasmus Medical Center
Classification: Benign. Review status: no assertion criteria provided. Collection method: clinical testing. Allele origin: germline. Affected: yes. Study: VKGL Data-share Consensus. Not counted in ClinVar's aggregate classification.

Diagnostic Laboratory, Department of Genetics, University Medical Center Groningen
Classification: Benign. Review status: no assertion criteria provided. Collection method: clinical testing. Allele origin: germline. Affected: yes. Study: VKGL Data-share Consensus. Not counted in ClinVar's aggregate classification.

Joint Genome Diagnostic Labs from Nijmegen and Maastricht, Radboudumc and MUMC+
Classification: Benign. Review status: no assertion criteria provided. Collection method: clinical testing. Allele origin: germline. Affected: yes. Study: VKGL Data-share Consensus. Not counted in ClinVar's aggregate classification.

NM_006941.4(SOX10):c.927T>C (p.His309=)

Genes: POLR2F (RNA polymerase II, I and III subunit F; plus strand), SOX10 (SRY-box transcription factor 10; minus strand). Cytogenetic location: 22q13.1.
Variant type: single nucleotide variant.
Coding change: c.927T>C on transcript NM_006941.4 (MANE Select); coding-DNA position 927, T replaced by C.
Protein change: p.His309=; no amino-acid change (histidine 309 retained).
Molecular consequence: synonymous variant. On other transcripts: intron variant (3).
Genome position (GRCh38, 1-based): chr22:37,973,969, A>G on the plus strand (T>C on the coding strand, the complement: SOX10 is on the minus strand). VCF-style: chr22-37973969-A-G. GRCh37 (hg19) VCF-style: chr22-38369976-A-G.
Other names: p.His309=; c.*38+1659A>G (NM_001363825.1); c.293+6799A>G (NM_001301130.2, NM_001301131.2).
Identifiers: ClinVar variation 227081 (VCV000227081.32), dbSNP rs139884, ClinGen allele CA10228566.